The following is an entry in ClinVar:

ClinVar aggregate classification (germline): Uncertain significance (1 of 4 stars; one submission).

Conditions:
Fanconi anemia (FA). Also called: Fanconi's anemia. Identifiers: Orphanet 84, MedGen C0015625, MeSH D005199, MONDO:0019391.

Submission:

Labcorp Genetics (formerly Invitae), Labcorp
Classification: Uncertain significance for Fanconi anemia. Last evaluated: 2018-10-31. Review status: criteria provided, single submitter. Criteria: Invitae Variant Classification Sherloc (09022015). Collection method: clinical testing. Allele origin: germline.
Comment: This sequence change results in a frameshift in the FANCM gene (p.Asp2047Alafs*13). While this is not anticipated to result in nonsense mediated decay, it is expected to disrupt the last 2 amino acids of the FANCM protein and extend the protein by an additional 10 amino acids. This variant is not present in population databases (ExAC no frequency). This variant has not been reported in the literature in individuals with FANCM-related disease. Experimental studies and prediction algorithms are not available for this variant, and the functional significance of the affected amino acid(s) is currently unknown. In summary, the available evidence is currently insufficient to determine the role of this variant in disease. Therefore, it has been classified as a Variant of Uncertain Significance.

NM_020937.4(FANCM):c.6140_*8del (p.Asp2047fs)

Gene: FANCM (FA complementation group M; plus strand). Cytogenetic location: 14q21.2.
Variant type: Deletion.
Coding change: c.6140_*8del on transcript NM_020937.4 (MANE Select); coding-DNA position 6140 through 8 bases downstream of the stop codon, 16 bases deleted (ATATATAATCAAGCTG).
Protein change: p.Asp2047fs; shifts the reading frame from aspartic acid 2047.
Molecular consequence: frameshift variant.
Genome position (GRCh38, 1-based): chr14:45,200,001-45,200,016, ATATATAATCAAGCTG deleted; deleting any 16 consecutive bases within chr14:45,199,998-45,200,016 gives the same sequence; the c. name uses the placement nearest the transcript's 3' end. VCF-style (leftmost placement, unchanged base first): chr14-45199997-TCTGATATATAATCAAG-T. GRCh37 (hg19) VCF-style: chr14-45669200-TCTGATATATAATCAAG-T.
Other names: c.6140_*8del (LRG_502t1); c.6062_*8del, p.Asp2021fs (NM_001308133.2); short protein forms D2021fs, D2047fs.
Identifiers: ClinVar variation 661020 (VCV000661020.8), dbSNP rs1594488249, ClinGen allele CA915948922.
Genomic context (GRCh38, chr14:45,199,997, plus strand): 5'-ATTCACTATGTATTTGACATACAAATGTTACCAAATGATCTTAACCAAGATAGACTGAAA[TCTGATATATAATCAAG>T]CTGCTCAAGATGGGGTTTTCAAAGACCTCTCACAATATTAAATGCACTTCAATAATCATT-3'